The following is an entry in ClinVar:

ClinVar aggregate classification (germline): Pathogenic (1 of 4 stars; one submission).

Submission:

Quest Diagnostics Nichols Institute San Juan Capistrano
Classification: Pathogenic. Last evaluated: 2023-09-02. Review status: criteria provided, single submitter. Criteria: ACMG/ClinGen CNV Guidelines, 2019. Collection method: clinical testing. Allele origin: unknown.
Comment: This copy number loss represents the recurrent 16p13.11 BP2-BP3 deletion region (ISCA-37415), containing the proposed critical genes NDE1 (OMIM 609449) and MYH11 (OMIM 160745) (Granata 2022, Heinzen 2010, Nagamani 2011, Ullmann 2007). Inheritance from an unaffected or mildly affected parent has been reported. This copy number variant (CNV) is classified as pathogenic. References: Granata et al., Front Genet. 2022 Mar 15;13:798607. PMID: 35368691; Heinzen et al., Am J Hum Genet. 2010 May 14;86(5):707-18. PMID: 20398883; Nagamani et al., Eur J Hum Genet. 2011 Mar;19(3):280-6. PMID: 21150890; Ullmann et al., Hum Mutat. 2007 Jul;28(7):674-82. PMID: 17480036

GRCh37/hg19 16p13.11(chr16:14899676-16391045)x1

Genes: ABCC1 (ATP binding cassette subfamily C member 1 (ABCC1 blood group); plus strand), ABCC6 (ATP binding cassette subfamily C member 6; minus strand), BMERB1 (bMERB domain containing 1; plus strand), CEP20 (centrosomal protein 20; minus strand), MARF1 (meiosis regulator and mRNA stability factor 1; minus strand) and 10 more. Cytogenetic location: 16p13.11.
Variant type: copy number loss.
Change: copy number 1 (one copy instead of two) of chr16:14,899,676-16,391,045 (1.49 Mb, GRCh37 coordinates, 1-based), cytogenetic band 16p13.11.
Identifiers: ClinVar variation 564282 (VCV000564282.2).